The following is an entry in ClinVar:

NM_017780.4(CHD7):c.5459G>A (p.Arg1820Gln)

Gene: CHD7 (chromodomain helicase DNA binding protein 7; plus strand). Cytogenetic location: 8q12.2.
Variant type: single nucleotide variant.
Coding change: c.5459G>A on transcript NM_017780.4 (MANE Select); coding-DNA position 5459, G replaced by A.
Protein change: p.Arg1820Gln; replaces arginine 1820 with glutamine.
Molecular consequence: missense variant. On other transcripts: intron variant (1).
Genome position (GRCh38, 1-based): chr8:60,850,547, G>A. VCF-style: chr8-60850547-G-A. GRCh37 (hg19) VCF-style: chr8-61763106-G-A.
Other names: c.1717-11682G>A (NM_001316690.1); short protein forms R1820Q.
Identifiers: ClinVar variation 411183 (VCV000411183.19), dbSNP rs372644599, ClinGen allele CA4760376.

ClinVar aggregate classification (germline): Conflicting classifications of pathogenicity. Review status: criteria provided, conflicting classifications (1 of 4 stars). 7 submissions from 7 submitters: Uncertain significance (6); Likely benign (1). Last evaluated 2025-12-30.

Conditions:
CHARGE syndrome (CHARGE). Also called: CHARGE ASSOCIATION--COLOBOMA, HEART ANOMALY, CHOANAL ATRESIA, RETARDATION, GENITAL AND EAR ANOMALIES; Coloboma, heart anomaly, choanal atresia, retardation, genital and ear anomalies; CHARGE association; Hall-Hittner syndrome; Hittner Hirsch Kreh syndrome. Identifiers: Orphanet 138, MedGen C0265354, MONDO:0008965.
Hypogonadotropic hypogonadism 5 with or without anosmia (KAL5). Also called: HYPOGONADOTROPIC HYPOGONADISM 5 WITH ANOSMIA; HYPOGONADOTROPHIC HYPOGONADISM 5 WITHOUT ANOSMIA; CHD7-Related GnRH Deficiency (Kallmann Syndrome 5). Identifiers: Orphanet 478, MedGen C3552553, MONDO:0012880, OMIM 612370. Disease mechanism: loss of function.
Inborn genetic diseases. Identifiers: MedGen C0950123, MeSH D030342.
CHD7-related disorder. Also called: CHD7-related condition.

Allele frequency attached by ClinVar (database versions not stated): gnomAD 0.00001; gnomAD exomes 0.00002 and 0.00003; ExAC 0.00003; TOPMed 0.00003; ESP Exome Variant Server 0.00016.
gnomAD v4.1: 28 of 1,613,344 alleles (0.0017%); highest among the groups gnomAD compares: South Asian, 0.0044%; no homozygotes.

Submissions (7):

Labcorp Genetics (formerly Invitae), Labcorp
Classification: Likely benign for CHARGE syndrome. Last evaluated: 2025-12-30. Review status: criteria provided, single submitter. Criteria: Invitae Variant Classification Sherloc (09022015). Collection method: clinical testing. Allele origin: germline.

PreventionGenetics, part of Exact Sciences
Classification: Uncertain significance for CHD7-related condition. Last evaluated: 2024-10-25. Review status: criteria provided, single submitter. Criteria: ACMG Guidelines, 2015. Collection method: clinical testing. Allele origin: germline.
Comment: The CHD7 c.5459G>A variant is predicted to result in the amino acid substitution p.Arg1820Gln. This variant has been reported in a heterozygous state along with a PROKR2 variant in an individual with the Kallmann syndrome phenotype, autism spectrum feature, hearing loss and external ear deformity; and both variants were inherited from the mother who had hyponosmia and external ear anomalies (Li et al. 2020. PubMed ID: 31689711). This variant was also noted in a patient with autism (Table S11, Stessman et al. 2017. PubMed ID: 28191889). This variant is reported in 0.0065% of alleles in individuals of African descent in gnomAD. At this time, the clinical significance of this variant is uncertain due to the absence of conclusive functional and genetic evidence.

Fulgent Genetics
Classification: Uncertain significance for CHD7-related CHARGE syndrome; Hypogonadotropic hypogonadism 5 with or without anosmia. Last evaluated: 2024-05-22. Review status: criteria provided, single submitter. Criteria: ACMG Guidelines, 2015. Collection method: clinical testing. Allele origin: germline.

Blueprint Genetics
Classification: Uncertain significance. Last evaluated: 2021-06-01. Review status: criteria provided, single submitter. Criteria: ACMG Guidelines, 2015. Collection method: clinical testing. Allele origin: germline.

Revvity Omics, Revvity
Classification: Uncertain significance. Last evaluated: 2021-02-09. Review status: criteria provided, single submitter. Criteria: ACMG Guidelines, 2015. Collection method: clinical testing. Allele origin: germline.

GeneDx
Classification: Uncertain significance. Last evaluated: 2021-01-07. Review status: criteria provided, single submitter. Criteria: GeneDx Variant Classification Process June 2021. Collection method: clinical testing. Allele origin: germline. Affected: yes.
Comment: Observed in a patient with idiopathic hypogonadotropic hypogonadism in published literature; patient was also heterozygous for variants in other genes (Zhao et al., 2019; Li et al., 2020); In silico analysis supports that this missense variant has a deleterious effect on protein structure/function; In-silico analysis is inconclusive as to whether the variant alters gene splicing. In the absence of RNA/functional studies, the actual effect of this sequence change is unknown.; This variant is associated with the following publications: (PMID: 31689711, 28191889, 30576231)

Ambry Genetics
Classification: Uncertain significance for Inborn genetic diseases. Last evaluated: 2019-06-29. Review status: criteria provided, single submitter. Criteria: Ambry Variant Classification Scheme 2023. Collection method: clinical testing. Allele origin: germline.
Comment: The p.R1820Q variant (also known as c.5459G>A), located in coding exon 25 of the CHD7 gene, results from a G to A substitution at nucleotide position 5459. The arginine at codon 1820 is replaced by glutamine, an amino acid with highly similar properties. This amino acid position is highly conserved in available vertebrate species. In addition, this alteration is predicted to be deleterious by in silico analysis. Since supporting evidence is limited at this time, the clinical significance of this alteration remains unclear.